The following is an entry in ClinVar:

NM_004370.6(COL12A1):c.1278A>C (p.Lys426Asn)

Gene: COL12A1 (collagen type XII alpha 1 chain; minus strand). Cytogenetic location: 6q13.
Variant type: single nucleotide variant.
Coding change: c.1278A>C on transcript NM_004370.6 (MANE Select); coding-DNA position 1278, A replaced by C.
Protein change: p.Lys426Asn; replaces lysine 426 with asparagine.
Molecular consequence: missense variant. On other transcripts: intron variant (1).
Genome position (GRCh38, 1-based): chr6:75,183,864, T>G on the plus strand (A>C on the coding strand, the complement: COL12A1 is on the minus strand). VCF-style: chr6-75183864-T-G. GRCh37 (hg19) VCF-style: chr6-75893580-T-G.
Other names: c.73+18856A>C (NM_080645.3); short protein forms K426N.
Identifiers: ClinVar variation 850620 (VCV000850620.10), dbSNP rs1769466109, ClinGen allele CA364772183.

ClinVar aggregate classification (germline): Uncertain significance (1 of 4 stars; one submission).

Conditions:
Ullrich congenital muscular dystrophy 2 (UCMD2). Identifiers: Orphanet 75840, MedGen C4225314, MONDO:0014654, OMIM 616470.
Bethlem myopathy 2 (BTHLM2). Identifiers: Orphanet 536516, Orphanet 610, MedGen C4225313, MONDO:0034022, OMIM 616471.

Submission:

Labcorp Genetics (formerly Invitae), Labcorp
Classification: Uncertain significance for Bethlem myopathy 2; Ullrich congenital muscular dystrophy 2. Last evaluated: 2020-06-29. Review status: criteria provided, single submitter. Criteria: Invitae Variant Classification Sherloc (09022015). Collection method: clinical testing. Allele origin: germline.
Comment: In summary, the available evidence is currently insufficient to determine the role of this variant in disease. Therefore, it has been classified as a Variant of Uncertain Significance. Algorithms developed to predict the effect of missense changes on protein structure and function are either unavailable or do not agree on the potential impact of this missense change (SIFT: "Deleterious"; PolyPhen-2: "Benign"; Align-GVGD: "Class C0"). This variant has not been reported in the literature in individuals with COL12A1-related conditions. This variant is not present in population databases (ExAC no frequency). This sequence change replaces lysine with asparagine at codon 426 of the COL12A1 protein (p.Lys426Asn). The lysine residue is moderately conserved and there is a moderate physicochemical difference between lysine and asparagine.